The following is an entry in ClinVar:

ClinVar aggregate classification (germline): Uncertain significance (1 of 4 stars; one submission).

Submission:

Labcorp Genetics (formerly Invitae), Labcorp
Classification: Uncertain significance. Last evaluated: 2025-10-24. Review status: criteria provided, single submitter. Criteria: Invitae Variant Classification Sherloc (09022015). Collection method: clinical testing. Allele origin: germline.
Comment: This sequence change creates a premature translational stop signal (p.Lys255Aspfs*15) in the IKZF1 gene. While this is not anticipated to result in nonsense mediated decay, it is expected to disrupt the last 265 amino acid(s) of the IKZF1 protein. This variant is not present in population databases (gnomAD no frequency). This variant has not been reported in the literature in individuals affected with IKZF1-related conditions. Experimental studies and prediction algorithms are not available or were not evaluated, and the functional significance of this variant is currently unknown. In summary, the available evidence is currently insufficient to determine the role of this variant in disease. Therefore, it has been classified as a Variant of Uncertain Significance.

NM_006060.6(IKZF1):c.763_764del (p.Lys255fs)

Gene: IKZF1 (IKAROS family zinc finger 1; plus strand). Cytogenetic location: 7p12.2.
Variant type: Deletion.
Coding change: c.763_764del on transcript NM_006060.6 (MANE Select); coding-DNA positions 763 to 764, 2 bases deleted (AA; older notation c.763_764delAA).
Protein change: p.Lys255fs; shifts the reading frame from lysine 255.
Molecular consequence: frameshift variant. On other transcripts: intron variant (3).
Genome position (GRCh38, 1-based): chr7:50,391,776-50,391,777, AA deleted. VCF-style (leftmost placement, unchanged base first): chr7-50391775-CAA-C. GRCh37 (hg19) VCF-style: chr7-50459473-CAA-C.
Other names: c.637_638del, p.Lys213fs (NM_001220765.3, NM_001291837.2); c.502_503del, p.Lys168fs (NM_001220767.2, NM_001291838.2); c.376_377del, p.Lys126fs (NM_001220770.2, NM_001291839.2); c.334_335del, p.Lys112fs (NM_001291841.1, NM_001291842.1); c.208_209del, p.Lys70fs (NM_001291843.1, NM_001291844.1); c.823_824del, p.Lys275fs (NM_001410879.1); c.590-8142_590-8141del (NM_001220768.2); c.422-8142_422-8141del (NM_001220771.2); and 1 more; short protein forms K70fs, K112fs, K168fs, K213fs, K275fs, K126fs, K255fs.
Identifiers: ClinVar variation 4727261 (VCV004727261.1).
Genomic context (GRCh38, chr7:50,391,775, plus strand): 5'-GTCTTTGACTTTAGTCATTAAAGAAGAAACTAATCACAGTGAAATGGCAGAAGACCTGTG[CAA>C]GATAGGATCAGAGAGATCTCTCGTGCTGGACAGACTAGCAAGTAACGTCGCCAAACGTAA-3'